The following is an entry in ClinVar:

ClinVar aggregate classification (germline): Conflicting classifications of pathogenicity. Review status: criteria provided, conflicting classifications (1 of 4 stars). 6 submissions from 6 submitters: Uncertain significance (1); Benign (1); Likely benign (4). Last evaluated 2026-01-19.

Conditions:
ABCA4-related disorder. Also called: ABCA4-related condition; ABCA4-related disorders. Identifiers: MedGen CN239167.
Retinal dystrophy. Also called: Inherited retinal dystrophy. Identifiers: Orphanet 71862, MedGen C0854723, MeSH D058499, MONDO:0019118, HP:0000556.

Allele frequency attached by ClinVar (database versions not stated): gnomAD 0.00002 and 0.00030; TOPMed 0.00006; ESP Exome Variant Server 0.00008; gnomAD exomes 0.00051 and 0.00097; ExAC 0.00118; 1000 Genomes Project 0.00280; 1000 Genomes Project 30x 0.00281.

Submissions (6):

Labcorp Genetics (formerly Invitae), Labcorp
Classification: Benign. Last evaluated: 2026-01-19. Review status: criteria provided, single submitter. Criteria: Invitae Variant Classification Sherloc (09022015). Collection method: clinical testing. Allele origin: germline.

Blueprint Genetics
Classification: Likely benign. Last evaluated: 2024-11-13. Review status: criteria provided, single submitter. Criteria: ACMG Guidelines, 2015. Collection method: clinical testing. Allele origin: germline.

PreventionGenetics, part of Exact Sciences
Classification: Likely benign for ABCA4-related condition. Last evaluated: 2024-10-03. Review status: criteria provided, single submitter. Criteria: ACMG Guidelines, 2015. Collection method: clinical testing. Allele origin: germline.
Comment: This variant is classified as likely benign based on ACMG/AMP sequence variant interpretation guidelines (Richards et al. 2015 PMID: 25741868, with internal and published modifications).

GeneDx
Classification: Likely benign. Last evaluated: 2017-05-22. Review status: criteria provided, single submitter. Criteria: GeneDx Variant Classification (06012015). Collection method: clinical testing. Allele origin: germline. Affected: yes.
Comment: This variant is considered likely benign or benign based on one or more of the following criteria: it is a conservative change, it occurs at a poorly conserved position in the protein, it is predicted to be benign by multiple in silico algorithms, and/or has population frequency not consistent with disease.

Illumina Laboratory Services, Illumina
Classification: Likely benign for ABCA4-Related Disorders. Last evaluated: 2017-04-27. Review status: criteria provided, single submitter. Criteria: ICSL Variant Classification Criteria 13 December 2019. Collection method: clinical testing. Allele origin: germline.
Comment: This variant was observed as part of a predisposition screen in an ostensibly healthy population. A literature search was performed for the gene, cDNA change, and amino acid change (where applicable). No publications were found based on this search. Allele frequency data from public databases allowed determination this variant is unlikely to cause disease. Therefore, this variant is classified as likely benign.

Institute of Human Genetics, Univ. Regensburg, Univ. Regensburg
Classification: Uncertain significance for Retinal dystrophy. Last evaluated: 2016-01-01. Review status: criteria provided, single submitter. Criteria: ACMG Guidelines, 2015. Collection method: clinical testing. Allele origin: germline. Affected: yes.

Literature cited by the submitters: PubMed 17296903 (cited by Institute of Human Genetics, Univ. Regensburg, Univ. Regensburg); PubMed 25474345 (cited by Institute of Human Genetics, Univ. Regensburg, Univ. Regensburg); PubMed 32307445 (cited by Institute of Human Genetics, Univ. Regensburg, Univ. Regensburg).

NM_000350.3(ABCA4):c.4256T>C (p.Met1419Thr)

Gene: ABCA4 (ATP binding cassette subfamily A member 4; minus strand). Cytogenetic location: 1p22.1.
Variant type: single nucleotide variant.
Coding change: c.4256T>C on transcript NM_000350.3 (MANE Select); coding-DNA position 4256, T replaced by C.
Protein change: p.Met1419Thr; replaces methionine 1419 with threonine.
Molecular consequence: missense variant.
Genome position (GRCh38, 1-based): chr1:94,030,524, A>G on the plus strand (T>C on the coding strand, the complement: ABCA4 is on the minus strand). VCF-style: chr1-94030524-A-G. GRCh37 (hg19) VCF-style: chr1-94496080-A-G.
Other names: c.4034T>C, p.Met1345Thr (NM_001425324.1); short protein forms M1419T, M1345T.
Identifiers: ClinVar variation 298239 (VCV000298239.18), dbSNP rs142673376, ClinGen allele CA957663.